The following is an entry in ClinVar:

ClinVar aggregate classification (germline): Likely benign (1 of 4 stars; one submission).

gnomAD v4.1: 33 of 1,613,494 alleles (0.002%); highest among the groups gnomAD compares: East Asian, 0.04%; no homozygotes.

Submission:

CeGaT Center for Human Genetics Tuebingen
Classification: Likely benign. Last evaluated: 2024-09-01. Review status: criteria provided, single submitter. Criteria: CeGaT Center For Human Genetics Tuebingen Variant Classification Criteria Version 2. Collection method: clinical testing. Allele origin: germline. Affected: yes. Observed: 1 variant allele.
Comment: DHX37: BP4, BP7

NM_032656.4(DHX37):c.3126C>T (p.Arg1042=)

Gene: DHX37 (DEAH-box helicase 37; minus strand). Cytogenetic location: 12q24.31.
Variant type: single nucleotide variant.
Coding change: c.3126C>T on transcript NM_032656.4 (MANE Select); coding-DNA position 3126, C replaced by T.
Protein change: p.Arg1042=; no amino-acid change (arginine 1042 retained).
Molecular consequence: synonymous variant.
Genome position (GRCh38, 1-based): chr12:124,950,239, G>A on the plus strand (C>T on the coding strand, the complement: DHX37 is on the minus strand). VCF-style: chr12-124950239-G-A. GRCh37 (hg19) VCF-style: chr12-125434785-G-A.
Identifiers: ClinVar variation 3388845 (VCV003388845.14).